The following is an entry in ClinVar:

NM_004360.5(CDH1):c.792G>A (p.Gln264=)

Gene: CDH1 (cadherin 1; plus strand). Cytogenetic location: 16q22.1.
Variant type: single nucleotide variant.
Coding change: c.792G>A on transcript NM_004360.5 (MANE Select); coding-DNA position 792, G replaced by A.
Protein change: p.Gln264=; no amino-acid change (glutamine 264 retained).
Molecular consequence: synonymous variant. On other transcripts: 5 prime UTR variant (2).
Genome position (GRCh38, 1-based): chr16:68,810,301, G>A. VCF-style: chr16-68810301-G-A. GRCh37 (hg19) VCF-style: chr16-68844204-G-A.
Other names: c.792G>A, p.Gln264= (NM_001317184.2); c.-824G>A (NM_001317185.2); c.-1028G>A (NM_001317186.2).
Identifiers: ClinVar variation 3379349 (VCV003379349.3).

ClinVar aggregate classification (germline): Benign/Likely benign. Review status: criteria provided, multiple submitters, no conflicts (2 of 4 stars). 2 submissions from 2 submitters: Benign (1); Likely benign (1). Last evaluated 2024-09-16.

Conditions:
Hereditary diffuse gastric adenocarcinoma (HDGC). Also called: DIFFUSE GASTRIC AND LOBULAR BREAST CANCER SYNDROME. Identifiers: Orphanet 26106, MedGen C1708349, MONDO:0007648, OMIM 137215.

gnomAD v4.1: 3 of 1,614,102 alleles (0.00019%); highest among the groups gnomAD compares: South Asian, 0.0022%; no homozygotes.

Submissions (2):

Myriad Genetics, Inc.
Classification: Benign for Hereditary diffuse gastric adenocarcinoma. Last evaluated: 2024-09-16. Review status: criteria provided, single submitter. Criteria: Myriad Autosomal Dominant, Autosomal Recessive and X-Linked Classification Criteria (2023). Collection method: clinical testing. Allele origin: unknown.
Comment: This variant is considered benign. This variant is a silent/synonymous amino acid change and it is not expected to impact splicing.

Labcorp Genetics (formerly Invitae), Labcorp
Classification: Likely benign for Hereditary diffuse gastric adenocarcinoma. Last evaluated: 2024-03-14. Review status: criteria provided, single submitter. Criteria: Invitae Variant Classification Sherloc (09022015). Collection method: clinical testing. Allele origin: germline.